The following is an entry in ClinVar:

NC_000009.11:g.(?_14848643)_(14868975_?)del

Gene: FREM1 (FRAS1 related extracellular matrix 1; minus strand). Cytogenetic location: 9p22.3.
Variant type: Deletion.
Identifiers: ClinVar variation 3245399 (VCV003245399.1).

ClinVar aggregate classification (germline): Pathogenic (1 of 4 stars; one submission).

Submission:

Labcorp Genetics (formerly Invitae), Labcorp
Classification: Pathogenic. Last evaluated: 2022-12-12. Review status: criteria provided, single submitter. Criteria: Invitae Variant Classification Sherloc (09022015). Collection method: clinical testing. Allele origin: unknown.
Comment: For these reasons, this variant has been classified as Pathogenic. This variant has not been reported in the literature in individuals affected with FREM1-related conditions. This variant is a gross deletion of the genomic region encompassing exon(s) 3-8 of the FREM1 gene, which includes the initiator codon. This deletion extends beyond the assayed region for this gene and therefore may encompass additional genes. It is expected to result in an absent or disrupted protein product. Loss-of-function variants in FREM1 are known to be pathogenic (PMID: 19732862, 21507892).

Literature cited by the submitters: PubMed 19732862; PubMed 21507892.